The following is an entry in ClinVar:

NM_020778.5(ALPK3):c.4598G>A (p.Arg1533Gln)

Gene: ALPK3 (alpha kinase 3; plus strand). Cytogenetic location: 15q25.3.
Variant type: single nucleotide variant.
Coding change: c.4598G>A on transcript NM_020778.5 (MANE Select); coding-DNA position 4598, G replaced by A.
Protein change: p.Arg1533Gln; replaces arginine 1533 with glutamine.
Molecular consequence: missense variant.
Genome position (GRCh38, 1-based): chr15:84,864,540, G>A. VCF-style: chr15-84864540-G-A. GRCh37 (hg19) VCF-style: chr15-85407771-G-A.
Other names: c.5204G>A (NM_020778.4); short protein forms R1533Q.
Identifiers: ClinVar variation 1922110 (VCV001922110.5), dbSNP rs776664645, ClinGen allele CA7710034.

ClinVar aggregate classification (germline): Uncertain significance. Review status: criteria provided, multiple submitters, no conflicts (2 of 4 stars). 2 submissions from 2 submitters: Uncertain significance (2). Last evaluated 2025-05-01.

Conditions:
Cardiovascular phenotype. Identifiers: MedGen CN230736.

Allele frequency attached by ClinVar (database versions not stated): TOPMed below 0.00001; gnomAD 0.00001; gnomAD exomes 0.00001; ExAC 0.00002.
gnomAD v4.1: 13 of 1,614,082 alleles (0.00081%); highest among the groups gnomAD compares: East Asian, 0.0089%; no homozygotes.

Submissions (2):

Labcorp Genetics (formerly Invitae), Labcorp
Classification: Uncertain significance. Last evaluated: 2025-05-01. Review status: criteria provided, single submitter. Criteria: Invitae Variant Classification Sherloc (09022015). Collection method: clinical testing. Allele origin: germline.
Comment: This sequence change replaces arginine, which is basic and polar, with glutamine, which is neutral and polar, at codon 1735 of the ALPK3 protein (p.Arg1735Gln). This variant is present in population databases (rs776664645, gnomAD 0.01%). This variant has not been reported in the literature in individuals affected with ALPK3-related conditions. ClinVar contains an entry for this variant (Variation ID: 1922110). Invitae Evidence Modeling of protein sequence and biophysical properties (such as structural, functional, and spatial information, amino acid conservation, physicochemical variation, residue mobility, and thermodynamic stability) indicates that this missense variant is expected to disrupt ALPK3 protein function with a positive predictive value of 80%. In summary, the available evidence is currently insufficient to determine the role of this variant in disease. Therefore, it has been classified as a Variant of Uncertain Significance.

Ambry Genetics
Classification: Uncertain significance for Cardiovascular phenotype. Last evaluated: 2023-12-26. Review status: criteria provided, single submitter. Criteria: Ambry Variant Classification Scheme 2023. Collection method: clinical testing. Allele origin: germline.